The following is an entry in ClinVar:

ClinVar aggregate classification (germline): Uncertain significance (1 of 4 stars; one submission).

Conditions:
Cardiovascular phenotype. Identifiers: MedGen CN230736.

Submission:

Ambry Genetics
Classification: Uncertain significance for Cardiovascular phenotype. Last evaluated: 2023-06-28. Review status: criteria provided, single submitter. Criteria: Ambry Variant Classification Scheme 2023. Collection method: clinical testing. Allele origin: germline.
Comment: The p.Y564H variant (also known as c.1690T>C), located in coding exon 12 of the ABCG5 gene, results from a T to C substitution at nucleotide position 1690. The tyrosine at codon 564 is replaced by histidine, an amino acid with similar properties. This amino acid position is conserved. In addition, the in silico prediction for this alteration is inconclusive. Since supporting evidence is limited at this time, the clinical significance of this alteration remains unclear.

NM_022436.3(ABCG5):c.1690T>C (p.Tyr564His)

Genes: ABCG5 (ATP binding cassette subfamily G member 5; minus strand), DYNC2LI1 (dynein cytoplasmic 2 light intermediate chain 1; plus strand). Cytogenetic location: 2p21.
Variant type: single nucleotide variant.
Coding change: c.1690T>C on transcript NM_022436.3 (MANE Select); coding-DNA position 1690, T replaced by C.
Protein change: p.Tyr564His; replaces tyrosine 564 with histidine.
Molecular consequence: missense variant. On other transcripts: intron variant (2).
Genome position (GRCh38, 1-based): chr2:43,814,549, A>G on the plus strand (T>C on the coding strand, the complement: ABCG5 is on the minus strand). VCF-style: chr2-43814549-A-G. GRCh37 (hg19) VCF-style: chr2-44041688-A-G.
Other names: c.*15+4025A>G (NM_001348913.2, NM_001348912.2); short protein forms Y564H.
Identifiers: ClinVar variation 2625952 (VCV002625952.2), dbSNP rs2465896680, ClinGen allele CA346662644.